The following is an entry in ClinVar:

ClinVar aggregate classification (germline): Likely pathogenic (1 of 4 stars; one submission).

Conditions:
Menkes kinky-hair syndrome (MNK). Also called: Copper transport disease; Classic Menkes Disease; Menkes Disease. Identifiers: Orphanet 565, MedGen C0022716, MONDO:0010651, OMIM 309400.

Submission:

3billion
Classification: Likely pathogenic for Menkes kinky-hair syndrome. Last evaluated: 2024-11-13. Review status: criteria provided, single submitter. Criteria: ACMG Guidelines, 2015. Collection method: clinical testing. Allele origin: germline. Affected: yes.
Comment: The variant is not observed in the gnomAD v4.1.0 dataset. Predicted Consequence/Location: Frameshift: predicted to result in a loss or disruption of normal protein function through nonsense-mediated decay (NMD) or protein truncation. Multiple pathogenic variants are reported downstream of the variant. Therefore, this variant is classified as Likely pathogenic according to the recommendation of ACMG/AMP guideline.

NM_000052.7(ATP7A):c.1305dup (p.Glu436fs)

Gene: ATP7A (ATPase copper transporting alpha; plus strand). Cytogenetic location: Xq21.1.
Variant type: Duplication.
Coding change: c.1305dup on transcript NM_000052.7 (MANE Select); coding-DNA position 1305, one base duplicated (A; older notation c.1305dupA).
Protein change: p.Glu436fs; shifts the reading frame from glutamic acid 436.
Molecular consequence: frameshift variant.
Genome position (GRCh38, 1-based): chrX:77,989,927, A duplicated. VCF-style (leftmost placement, unchanged base first): chrX-77989926-T-TA. GRCh37 (hg19) VCF-style: chrX-77245422-T-TA.
Other names: c.1305dup, p.Glu436fs (NM_001282224.2); short protein forms E436fs.
Identifiers: ClinVar variation 4293015 (VCV004293015.1).